The following is an entry in ClinVar:

ClinVar aggregate classification (germline): Likely benign (0 of 4 stars; one submission).

Conditions:
CUX1-related disorder. Also called: CUX1-related condition.

Allele frequency attached by ClinVar (database versions not stated): gnomAD 0.00005; TOPMed 0.00008; 1000 Genomes Project 30x 0.00047; 1000 Genomes Project 0.00060.
gnomAD v4.1: 70 of 1,593,584 alleles (0.0044%); highest among the groups gnomAD compares: East Asian, 0.066%; no homozygotes.

Submission:

PreventionGenetics, part of Exact Sciences
Classification: Likely benign for CUX1-related condition. Last evaluated: 2020-01-27. Review status: no assertion criteria provided. Collection method: clinical testing. Allele origin: germline.
Comment: This variant is classified as likely benign based on ACMG/AMP sequence variant interpretation guidelines (Richards et al. 2015 PMID: 25741868, with internal and published modifications).

NM_181552.4(CUX1):c.777G>A (p.Ser259=)

Gene: CUX1 (cut like homeobox 1; plus strand). Cytogenetic location: 7q22.1.
Variant type: single nucleotide variant.
Coding change: c.777G>A on transcript NM_181552.4 (MANE Select); coding-DNA position 777, G replaced by A.
Protein change: p.Ser259=; no amino-acid change (serine 259 retained).
Molecular consequence: synonymous variant.
Genome position (GRCh38, 1-based): chr7:102,170,499, G>A. VCF-style: chr7-102170499-G-A. GRCh37 (hg19) VCF-style: chr7-101813779-G-A.
Other names: c.810G>A, p.Ser270= (NM_001202543.2, NM_001913.5, NM_181500.4); c.762G>A, p.Ser254= (NM_001202544.3); c.672G>A, p.Ser224= (NM_001202545.3); c.699G>A, p.Ser233= (NM_001202546.3).
Identifiers: ClinVar variation 3050956 (VCV003050956.2), dbSNP rs180828525, ClinGen allele CA4410617.